The following is an entry in ClinVar:

NM_006767.4(LZTR1):c.637_638del (p.Thr213fs)

Gene: LZTR1 (leucine zipper like post translational regulator 1; plus strand). Cytogenetic location: 22q11.21.
Variant type: Deletion.
Coding change: c.637_638del on transcript NM_006767.4 (MANE Select); coding-DNA positions 637 to 638, 2 bases deleted (AC; older notation c.637_638delAC).
Protein change: p.Thr213fs; shifts the reading frame from threonine 213.
Molecular consequence: frameshift variant.
Genome position (GRCh38, 1-based): chr22:20,989,668-20,989,669, AC deleted; deleting any 2 consecutive bases within chr22:20,989,667-20,989,669 gives the same sequence; the c. name uses the placement nearest the transcript's 3' end. VCF-style (leftmost placement, unchanged base first): chr22-20989666-TCA-T. GRCh37 (hg19) VCF-style: chr22-21343955-TCA-T.
Other names: short protein forms T213fs.
Identifiers: ClinVar variation 2990267 (VCV002990267.3), dbSNP rs1569155256, ClinGen allele CA638555285.
Genomic context (GRCh38, chr22:20,989,666, plus strand): 5'-CTGGTCTGTCCTAATACAGGTTGAATGACATGTGGACAATTGGCCTCCAGGACCGAGAGC[TCA>T]CCTGCTGGGAGGAGGTGAGGGGCGTGGGGAGCCAGGGCGCAGGTAGAGGAGGTGAGGGGC-3'

ClinVar aggregate classification (germline): Pathogenic (1 of 4 stars; one submission).

Submission:

Labcorp Genetics (formerly Invitae), Labcorp
Classification: Pathogenic. Last evaluated: 2023-05-25. Review status: criteria provided, single submitter. Criteria: Invitae Variant Classification Sherloc (09022015). Collection method: clinical testing. Allele origin: germline.
Comment: For these reasons, this variant has been classified as Pathogenic. This variant has not been reported in the literature in individuals affected with LZTR1-related conditions. This variant is present in population databases (no rsID available, gnomAD 0.003%). This sequence change creates a premature translational stop signal (p.Thr213Leufs*46) in the LZTR1 gene. It is expected to result in an absent or disrupted protein product. Loss-of-function variants in LZTR1 are known to be pathogenic (PMID: 24362817, 25335493, 25480913, 25795793, 29469822, 30368668, 30442762, 30442766, 30481304, 30859559).

Literature cited by the submitters: PubMed 24362817; PubMed 25335493; PubMed 25480913; PubMed 25795793; PubMed 29469822; PubMed 30368668; PubMed 30442762; PubMed 30442766; PubMed 30481304; PubMed 30859559.